The following is an entry in ClinVar:

ClinVar aggregate classification (germline): Uncertain significance. Review status: criteria provided, multiple submitters, no conflicts (2 of 4 stars). 2 submissions from 2 submitters: Uncertain significance (2). Last evaluated 2025-02-17.

Allele frequency attached by ClinVar (database versions not stated): gnomAD 0.00001; ExAC 0.00002; gnomAD exomes 0.00002; TOPMed 0.00002.
gnomAD v4.1: 16 of 1,604,594 alleles (0.001%); highest among the groups gnomAD compares: South Asian, 0.0044%; no homozygotes.

Submissions (2):

Labcorp Genetics (formerly Invitae), Labcorp
Classification: Uncertain significance. Last evaluated: 2025-02-17. Review status: criteria provided, single submitter. Criteria: Invitae Variant Classification Sherloc (09022015). Collection method: clinical testing. Allele origin: germline.
Comment: This sequence change replaces arginine, which is basic and polar, with glutamine, which is neutral and polar, at codon 1098 of the GPR179 protein (p.Arg1098Gln). This variant is present in population databases (rs766157500, gnomAD 0.007%). This variant has not been reported in the literature in individuals affected with GPR179-related conditions. ClinVar contains an entry for this variant (Variation ID: 1485444). An algorithm developed to predict the effect of missense changes on protein structure and function (PolyPhen-2) suggests that this variant is likely to be tolerated. In summary, the available evidence is currently insufficient to determine the role of this variant in disease. Therefore, it has been classified as a Variant of Uncertain Significance.

Blueprint Genetics
Classification: Uncertain significance. Last evaluated: 2019-09-10. Review status: criteria provided, single submitter. Criteria: ACMG Guidelines, 2015. Collection method: clinical testing. Allele origin: germline.

NM_001004334.4(GPR179):c.3293G>A (p.Arg1098Gln)

Gene: GPR179 (G protein-coupled receptor 179; minus strand). Cytogenetic location: 17q12.
Variant type: single nucleotide variant.
Coding change: c.3293G>A on transcript NM_001004334.4 (MANE Select); coding-DNA position 3293, G replaced by A.
Protein change: p.Arg1098Gln; replaces arginine 1098 with glutamine.
Molecular consequence: missense variant.
Genome position (GRCh38, 1-based): chr17:38,330,276, C>T on the plus strand (G>A on the coding strand, the complement: GPR179 is on the minus strand). VCF-style: chr17-38330276-C-T. GRCh37 (hg19) VCF-style: chr17-36486159-C-T.
Other names: short protein forms R1098Q.
Identifiers: ClinVar variation 1485444 (VCV001485444.9), dbSNP rs766157500, ClinGen allele CA290105246.